The following is an entry in ClinVar:

NM_001399.5(EDA):c.1001G>C (p.Arg334Pro)

Gene: EDA (ectodysplasin A; plus strand). Cytogenetic location: Xq13.1.
Variant type: single nucleotide variant.
Coding change: c.1001G>C on transcript NM_001399.5 (MANE Select); coding-DNA position 1001, G replaced by C.
Protein change: p.Arg334Pro; replaces arginine 334 with proline.
Molecular consequence: missense variant.
Genome position (GRCh38, 1-based): chrX:70,035,434, G>C. VCF-style: chrX-70035434-G-C. GRCh37 (hg19) VCF-style: chrX-69255284-G-C.
Other names: c.995G>C, p.Arg332Pro (NM_001005609.2); c.986G>C, p.Arg329Pro (NM_001005612.3); short protein forms R334P, R332P, R329P.
Identifiers: ClinVar variation 228657 (VCV000228657.4), dbSNP rs142948132, ClinGen allele CA10577180.

ClinVar aggregate classification (germline): Uncertain significance (1 of 4 stars; one submission).

Submission:

Laboratory for Molecular Medicine, Mass General Brigham Personalized Medicine
Classification: Uncertain significance. Last evaluated: 2015-03-17. Review status: criteria provided, single submitter. Criteria: LMM Criteria. Collection method: clinical testing. Allele origin: germline. Observed: 3 variant alleles.
Comment: Variant classified as Uncertain Significance - Favor Pathogenic. It was absent from large population studies. While this high frequency in the general population suggests a less likely pathogenic role, the clinical description of individuals included in this database is not provid ed. Thus, it is possible that some of these individuals manifest some features o f HED and that the p.Arg334His variant represents a common pathogenic variant in the East Asian population. Computational prediction tools and conservation anal ysis do not provide strong support for or against an impact of the p.Arg334Pro v ariant to the protein. In summary, while there is some suspicion for a pathogeni c role due to its segregation in affected family members, the clinical significa nce of the p.Arg334Pro variant is uncertain.

Literature cited by the submitters: PubMed 19278982.